The following is an entry in ClinVar:

NM_194248.3(OTOF):c.2839_2867-12del

Gene: OTOF (otoferlin; minus strand). Cytogenetic location: 2p23.3.
Variant type: Deletion.
Coding change: c.2839_2867-12del on transcript NM_194248.3 (MANE Select); coding-DNA position 2839 through 12 bases into the intron before coding-DNA position 2867, 106 bases deleted.
Molecular consequence: splice donor variant.
Genome position (GRCh38, 1-based): chr2:26,476,050-26,476,155, 106 bases deleted. GRCh37 (hg19): chr2:26,698,922-26,699,027.
Other names: c.2839_2867-12del (NM_001287489.2); c.598_626-12del (NM_194323.3, NM_004802.4); c.769_797-12del (NM_194322.3).
Identifiers: ClinVar variation 2848351 (VCV002848351.3), dbSNP rs2465583273, ClinGen allele CA2658237226.

ClinVar aggregate classification (germline): Likely pathogenic (1 of 4 stars; one submission).

Submission:

Labcorp Genetics (formerly Invitae), Labcorp
Classification: Likely pathogenic. Last evaluated: 2023-10-26. Review status: criteria provided, single submitter. Criteria: Invitae Variant Classification Sherloc (09022015). Collection method: clinical testing. Allele origin: germline.
Comment: This variant results in the deletion of part of exon 23 (c.2839_2867-12del) of the OTOF gene. It is expected to disrupt RNA splicing. Variants that disrupt the donor or acceptor splice site typically lead to a loss of protein function (PMID: 16199547), and loss-of-function variants in OTOF are known to be pathogenic (PMID: 18381613, 19250381, 22575033). This variant has not been reported in the literature in individuals affected with OTOF-related conditions. In summary, the currently available evidence indicates that the variant is pathogenic, but additional data are needed to prove that conclusively. Therefore, this variant has been classified as Likely Pathogenic.

Literature cited by the submitters: PubMed 16199547; PubMed 18381613; PubMed 19250381; PubMed 22575033.